The following is an entry in ClinVar:

NM_021830.5(TWNK):c.67G>C (p.Gly23Arg)

Gene: TWNK (twinkle mtDNA helicase; plus strand). Cytogenetic location: 10q24.31.
Variant type: single nucleotide variant.
Coding change: c.67G>C on transcript NM_021830.5 (MANE Select); coding-DNA position 67, G replaced by C.
Protein change: p.Gly23Arg; replaces glycine 23 with arginine.
Molecular consequence: missense variant. On other transcripts: non-coding transcript variant (4), intron variant (3).
Genome position (GRCh38, 1-based): chr10:100,988,277, G>C. VCF-style: chr10-100988277-G-C. GRCh37 (hg19) VCF-style: chr10-102748034-G-C.
Other names: c.67G>C (NM_021830.4); c.67G>C, p.Gly23Arg (NM_001163812.2); c.-120+664G>C (NM_001163814.2, NM_001163813.2); c.-58+664G>C (NM_001368275.1); short protein forms G23R.
Identifiers: ClinVar variation 3686749 (VCV003686749.3).

ClinVar aggregate classification (germline): Uncertain significance. Review status: criteria provided, multiple submitters, no conflicts (2 of 4 stars). 2 submissions from 2 submitters: Uncertain significance (2). Last evaluated 2024-09-04.

gnomAD v4.1: 1 of 1,613,946 alleles (0.000062%); highest among the groups gnomAD compares: South Asian, 0.0011%; no homozygotes.

Submissions (2):

GeneDx
Classification: Uncertain significance. Last evaluated: 2024-09-04. Review status: criteria provided, single submitter. Criteria: GeneDx Variant Classification Process June 2021. Collection method: clinical testing. Allele origin: germline. Affected: yes.
Comment: Not observed at significant frequency in large population cohorts (gnomAD); In silico analysis indicates that this missense variant does not alter protein structure/function; Has not been previously published as pathogenic or benign to our knowledge

Labcorp Genetics (formerly Invitae), Labcorp
Classification: Uncertain significance. Last evaluated: 2024-06-05. Review status: criteria provided, single submitter. Criteria: Invitae Variant Classification Sherloc (09022015). Collection method: clinical testing. Allele origin: germline.
Comment: This sequence change replaces glycine, which is neutral and non-polar, with arginine, which is basic and polar, at codon 23 of the TWNK protein (p.Gly23Arg). This variant is not present in population databases (gnomAD no frequency). This variant has not been reported in the literature in individuals affected with TWNK-related conditions. Advanced modeling of protein sequence and biophysical properties (such as structural, functional, and spatial information, amino acid conservation, physicochemical variation, residue mobility, and thermodynamic stability) has been performed at Invitae for this missense variant, however the output from this modeling did not meet the statistical confidence thresholds required to predict the impact of this variant on TWNK protein function. In summary, the available evidence is currently insufficient to determine the role of this variant in disease. Therefore, it has been classified as a Variant of Uncertain Significance.